The following is an entry in ClinVar:

ClinVar aggregate classification (germline): Uncertain significance (1 of 4 stars; one submission).

Conditions:
Brugada syndrome. Also called: Sudden unexpected nocturnal death syndrome; Sudden Unexplained Death Syndrome; Sudden Unexplained Nocturnal Death Syndrome (SUNDS); Sudden unexplained nocturnal death syndrome. Identifiers: Orphanet 130, MedGen C1142166, MONDO:0015263.

gnomAD v4.1: 3 of 1,614,158 alleles (0.00019%); highest among the groups gnomAD compares: Admixed American, 0.0017%; no homozygotes.

Submission:

Labcorp Genetics (formerly Invitae), Labcorp
Classification: Uncertain significance for Brugada syndrome. Last evaluated: 2025-06-18. Review status: criteria provided, single submitter. Criteria: Invitae Variant Classification Sherloc (09022015). Collection method: clinical testing. Allele origin: germline.
Comment: This sequence change replaces proline, which is neutral and non-polar, with glutamine, which is neutral and polar, at codon 1890 of the SCN10A protein (p.Pro1890Gln). This variant is present in population databases (no rsID available, gnomAD 0.003%). This variant has not been reported in the literature in individuals affected with SCN10A-related conditions. Invitae Evidence Modeling of protein sequence and biophysical properties (such as structural, functional, and spatial information, amino acid conservation, physicochemical variation, residue mobility, and thermodynamic stability) indicates that this missense variant is not expected to disrupt SCN10A protein function with a negative predictive value of 80%. In summary, the available evidence is currently insufficient to determine the role of this variant in disease. Therefore, it has been classified as a Variant of Uncertain Significance.

NM_006514.4(SCN10A):c.5669C>A (p.Pro1890Gln)

Gene: SCN10A (sodium voltage-gated channel alpha subunit 10; minus strand). Cytogenetic location: 3p22.2.
Variant type: single nucleotide variant.
Coding change: c.5669C>A on transcript NM_006514.4 (MANE Select); coding-DNA position 5669, C replaced by A.
Protein change: p.Pro1890Gln; replaces proline 1890 with glutamine.
Molecular consequence: missense variant.
Genome position (GRCh38, 1-based): chr3:38,697,551, G>T on the plus strand (C>A on the coding strand, the complement: SCN10A is on the minus strand). VCF-style: chr3-38697551-G-T. GRCh37 (hg19) VCF-style: chr3-38739042-G-T.
Other names: c.5666C>A, p.Pro1889Gln (NM_001293306.2); c.5375C>A, p.Pro1792Gln (NM_001293307.2); short protein forms P1889Q, P1890Q, P1792Q.
Identifiers: ClinVar variation 4776214 (VCV004776214.1).